The following is an entry in ClinVar:

NM_000245.4(MET):c.1018G>C (p.Asp340His)

Gene: MET (MET proto-oncogene, receptor tyrosine kinase; plus strand). Cytogenetic location: 7q31.2.
Variant type: single nucleotide variant.
Coding change: c.1018G>C on transcript NM_000245.4 (MANE Select); coding-DNA position 1018, G replaced by C.
Protein change: p.Asp340His; replaces aspartic acid 340 with histidine.
Molecular consequence: missense variant. On other transcripts: intron variant (1).
Genome position (GRCh38, 1-based): chr7:116,700,102, G>C. VCF-style: chr7-116700102-G-C. GRCh37 (hg19) VCF-style: chr7-116340156-G-C.
Other names: c.1018G>C, p.Asp340His (NM_001127500.3, NM_001324401.3); c.-91+27525G>C (NM_001324402.2); short protein forms D340H.
Identifiers: ClinVar variation 946649 (VCV000946649.11), dbSNP rs769544894, ClinGen allele CA368970362.
Genomic context (GRCh38, chr7:116,700,102, plus strand): 5'-GCGTATGTCAGCAAGCCTGGGGCCCAGCTTGCTAGACAAATAGGAGCCAGCCTGAATGAT[G>C]ACATTCTTTTCGGGGTGTTCGCACAAAGCAAGCCAGATTCTGCCGAACCAATGGATCGAT-3'
Protein context (NP_000236.2, residues 330-350): ARQIGASLND[Asp340His]ILFGVFAQSK

ClinVar aggregate classification (germline): Uncertain significance. Review status: criteria provided, multiple submitters, no conflicts (2 of 4 stars). 3 submissions from 3 submitters: Uncertain significance (3). Last evaluated 2026-08-06.

Conditions:
Renal cell carcinoma. Identifiers: Orphanet 217071, MedGen C0007134, MeSH D002292, MONDO:0005086, HP:0005584.
Hereditary cancer-predisposing syndrome. Also called: Hereditary Cancer Syndrome; Neoplastic Syndromes, Hereditary; Hereditary neoplastic syndrome; Tumor predisposition. Identifiers: Orphanet 140162, MedGen C0027672, MeSH D009386, MONDO:0015356.
Osteofibrous dysplasia (OSFD). Also called: Tibia, bowing of, with pseudarthrosis and pectus excavatum. Identifiers: Orphanet 488265, MedGen C4085248, MONDO:0011806, OMIM 607278.

Submissions (3):

OLLIN Analises Genomicas, OLLIN
Classification: Uncertain significance for Osteofibrous dysplasia. Last evaluated: 2026-08-06. Review status: criteria provided, single submitter. Criteria: ACMG Guidelines 2015 PMID 25741868. Collection method: clinical testing. Allele origin: germline. Inheritance: Autosomal dominant inheritance.
Comment: This missense variant, located in exon 2 (of 21), is absent from gnomAD and has not been identified in the literature. However, it has been reported in ClinVar (accession VCV001501148.8). In silico analysis is inconclusive regarding the impact of this variant. According to the currently available evidence, this variant has been classified as uncertain significance (PM2_P).

Ambry Genetics
Classification: Uncertain significance for Hereditary cancer-predisposing syndrome. Last evaluated: 2025-12-22. Review status: criteria provided, single submitter. Criteria: Ambry Variant Classification Scheme 2023. Collection method: clinical testing. Allele origin: germline.
Comment: The p.D340H variant (also known as c.1018G>C), located in coding exon 1 of the MET gene, results from a G to C substitution at nucleotide position 1018. The aspartic acid at codon 340 is replaced by histidine, an amino acid with similar properties. This amino acid position is highly conserved in available vertebrate species. In addition, the in silico prediction for this alteration is inconclusive. Based on the available evidence, the clinical significance of this variant remains unclear.

Labcorp Genetics (formerly Invitae), Labcorp
Classification: Uncertain significance for Renal cell carcinoma. Last evaluated: 2025-01-14. Review status: criteria provided, single submitter. Criteria: Invitae Variant Classification Sherloc (09022015). Collection method: clinical testing. Allele origin: germline.
Comment: This sequence change replaces aspartic acid, which is acidic and polar, with histidine, which is basic and polar, at codon 340 of the MET protein (p.Asp340His). This variant is not present in population databases (gnomAD no frequency). This variant has not been reported in the literature in individuals affected with MET-related conditions. ClinVar contains an entry for this variant (Variation ID: 946649). Invitae Evidence Modeling of protein sequence and biophysical properties (such as structural, functional, and spatial information, amino acid conservation, physicochemical variation, residue mobility, and thermodynamic stability) indicates that this missense variant is expected to disrupt MET protein function with a positive predictive value of 80%. In summary, the available evidence is currently insufficient to determine the role of this variant in disease. Therefore, it has been classified as a Variant of Uncertain Significance.